The following is an entry in ClinVar:

NM_000629.3(IFNAR1):c.14T>G (p.Leu5Arg)

Genes: IFNAR1 (interferon alpha and beta receptor subunit 1; plus strand), LOC119230225 (IFNAR1 promoter region; plus strand). Cytogenetic location: 21q22.11.
Variant type: single nucleotide variant.
Coding change: c.14T>G on transcript NM_000629.3 (MANE Select); coding-DNA position 14, T replaced by G.
Protein change: p.Leu5Arg; replaces leucine 5 with arginine.
Molecular consequence: missense variant. On other transcripts: 5 prime UTR variant (2), intron variant (1).
Genome position (GRCh38, 1-based): chr21:33,325,069, T>G. VCF-style: chr21-33325069-T-G. GRCh37 (hg19) VCF-style: chr21-34697374-T-G.
Other names: c.14T>G, p.Leu5Arg (NM_001384498.1, NM_001384499.1, NM_001384501.1 and 1 more transcripts); c.-773T>G (NM_001384500.1); c.-370T>G (NM_001384502.1); c.-132+431T>G (NM_001384504.1); short protein forms L5R.
Identifiers: ClinVar variation 1917845 (VCV001917845.5), dbSNP rs966070127, ClinGen allele CA410104888.

ClinVar aggregate classification (germline): Uncertain significance (1 of 4 stars; one submission).

Submission:

Labcorp Genetics (formerly Invitae), Labcorp
Classification: Uncertain significance. Last evaluated: 2023-09-08. Review status: criteria provided, single submitter. Criteria: Invitae Variant Classification Sherloc (09022015). Collection method: clinical testing. Allele origin: germline.
Comment: This variant is not present in population databases (gnomAD no frequency). This sequence change replaces leucine, which is neutral and non-polar, with arginine, which is basic and polar, at codon 5 of the IFNAR1 protein (p.Leu5Arg). This variant has not been reported in the literature in individuals affected with IFNAR1-related conditions. In summary, the available evidence is currently insufficient to determine the role of this variant in disease. Therefore, it has been classified as a Variant of Uncertain Significance. Experimental studies and prediction algorithms are not available or were not evaluated, and the functional significance of this variant is currently unknown. ClinVar contains an entry for this variant (Variation ID: 1917845).